The following is an entry in ClinVar:

NM_025137.4(SPG11):c.6797dup (p.Lys2267fs)

Gene: SPG11 (SPG11 vesicle trafficking associated, spatacsin; minus strand). Cytogenetic location: 15q21.1.
Variant type: Duplication.
Coding change: c.6797dup on transcript NM_025137.4 (MANE Select); coding-DNA position 6797, one base duplicated (T; older notation c.6797dupT).
Protein change: p.Lys2267fs; shifts the reading frame from lysine 2267.
Molecular consequence: frameshift variant.
Genome position (GRCh38, 1-based): chr15:44,566,263, A duplicated on the plus strand (T on the coding strand, the reverse complement: SPG11 is on the minus strand). VCF-style (leftmost placement, unchanged base first): chr15-44566262-C-CA. GRCh37 (hg19) VCF-style: chr15-44858460-C-CA.
Other names: p.Lys2267GlufsTer73; c.6458dup, p.Lys2154fs (NM_001160227.2); c.6653dup, p.Lys2219fs (NM_001411132.1); short protein forms K2154fs, K2219fs, K2267fs.
Identifiers: ClinVar variation 4759344 (VCV004759344.1).
Genomic context (GRCh38, chr15:44,566,262, plus strand): 5'-AAGCCTTTGGGTTACCTTGGCATAACTCTCTGCTGCATCCAACATCAGAGTCAGGGCCTT[C>CA]AGCAGCAGTTGTTTCAGCTGGTGCCCATCCTTGAGGCTGTCCTCTGTAGGGGAAATAAAG-3'

ClinVar aggregate classification (germline): Likely pathogenic (1 of 4 stars; one submission).

Conditions:
Hereditary spastic paraplegia 11. Also called: SPASTIC PARAPLEGIA, AUTOSOMAL RECESSIVE, COMPLICATED, WITH THIN CORPUS CALLOSUM; SPASTIC PARAPLEGIA, AUTOSOMAL RECESSIVE, WITH MENTAL IMPAIRMENT AND THIN CORPUS CALLOSUM; Spastic Paraplegia 11; Spastic paraplegia, mental retardation and thin corpus callosum; Nakamura Osame syndrome; Autosomal recessive hereditary spastic paraplegia, mental impairment, and thin corpus callosum. Identifiers: Orphanet 2822, MedGen C1858479, MONDO:0011445, OMIM 604360.

Submission:

Department of Medical Genetics, Sanjay Gandhi Post Graduate Institute of Medical Sciences
Classification: Likely pathogenic for Hereditary spastic paraplegia 11. Review status: criteria provided, single submitter. Criteria: ACMG Guidelines, 2015. Collection method: research. Allele origin: germline. Inheritance: Autosomal recessive inheritance. Affected: yes. Observed: 1 heterozygote.
Comment: This is a novel variant and is classified as likely pathogenic as per ACMG-AMP criteria (PVS1, PM3, PM2).